The following is an entry in ClinVar:

ClinVar aggregate classification (germline): Pathogenic. Review status: criteria provided, multiple submitters, no conflicts (2 of 4 stars). 13 submissions from 13 submitters: Pathogenic (13). Last evaluated 2026-06-16.

Conditions:
KCNQ1-related disorder. Also called: KCNQ1-related condition; KCNQ1-related disorders. Identifiers: MedGen CN239322.
Cardiovascular phenotype. Identifiers: MedGen CN230736.
Cardiac arrhythmia. Also called: Arrhythmia; Cardiac rhythm disease. Identifiers: MedGen C0003811, MONDO:0007263, HP:0011675.
Familial long QT syndrome (RWS). Also called: Congenital long QT syndrome; Romano-Ward syndrome; VENTRICULAR FIBRILLATION WITH PROLONGED QT INTERVAL. Identifiers: Orphanet 768, MedGen C1141890, MONDO:0019171.
Atrial fibrillation, familial, 3 (ATFB3). Identifiers: MedGen C1837014, MONDO:0011857, OMIM 607554.
Long QT syndrome 1 (LQT1). Identifiers: Orphanet 101016, Orphanet 768, MedGen C4551647, MONDO:0100316, OMIM 192500, MONDO:0008646.
Beckwith-Wiedemann syndrome (BWS). Also called: Exomphalos macroglossia gigantism syndrome; EMG SYNDROME. Identifiers: Orphanet 116, MedGen C0004903, MONDO:0007534, OMIM 130650.
Jervell and Lange-Nielsen syndrome 1 (JLNS1). Also called: CARDIOAUDITORY SYNDROME OF JERVELL AND LANGE-NIELSEN; DEAFNESS, CONGENITAL, AND FUNCTIONAL HEART DISEASE; PROLONGED QT INTERVAL IN EKG AND SUDDEN DEATH; SURDO-CARDIAC SYNDROME. Identifiers: Orphanet 768, Orphanet 90647, MedGen C4551509, MONDO:0024540, OMIM 220400.
Short QT syndrome type 2. Identifiers: Orphanet 51083, MedGen C1865019, MONDO:0012313, OMIM 609621.
Long QT syndrome (LQTS). Identifiers: MedGen C0023976, MeSH D008133, MONDO:0002442. Disease mechanism: loss of function. Inheritance: Various modes of inheritance.

Allele frequency attached by ClinVar (database versions not stated): TOPMed 0.00001; gnomAD 0.00001.

Submissions 1 to 10 of 13:

PreventionGenetics, part of Exact Sciences
Classification: Pathogenic for KCNQ1-related condition. Last evaluated: 2026-06-16. Review status: criteria provided, single submitter. Criteria: ACMG Guidelines, 2015. Collection method: clinical testing. Allele origin: germline.
Comment: The KCNQ1 c.914G>A variant is predicted to result in premature protein termination (p.Trp305*). This variant has been reported in individuals with long QT syndrome (Chen et al. 2003. PubMed ID: 12702160; Table S1, Kapplinger et al. 2009. PubMed ID: 19716085; Table S1, Lieve et al. 2013. PubMed ID: 23631430). This variant is reported in 0.0081% of alleles in individuals of African descent in gnomAD. Nonsense variants in KCNQ1 are expected to be pathogenic. This variant is interpreted as pathogenic.

CeGaT Center for Human Genetics Tuebingen
Classification: Pathogenic. Last evaluated: 2026-04-01. Review status: criteria provided, single submitter. Criteria: CeGaT Center For Human Genetics Tuebingen Variant Classification Criteria Version 2. Collection method: clinical testing. Allele origin: germline. Affected: yes. Observed: 1 variant allele.
Comment: KCNQ1: PVS1, PM2, PS4:Supporting

Labcorp Genetics (formerly Invitae), Labcorp
Classification: Pathogenic for Long QT syndrome. Last evaluated: 2025-11-12. Review status: criteria provided, single submitter. Criteria: Invitae Variant Classification Sherloc (09022015). Collection method: clinical testing. Allele origin: germline.
Comment: This sequence change creates a premature translational stop signal (p.Trp305*) in the KCNQ1 gene. It is expected to result in an absent or disrupted protein product. Loss-of-function variants in KCNQ1 are known to be pathogenic (PMID: 9323054, 19862833). This variant is present in population databases (rs120074186, gnomAD 0.008%). This premature translational stop signal has been observed in individuals with long QT syndrome (PMID: 12702160; internal data). It has also been observed to segregate with disease in related individuals. ClinVar contains an entry for this variant (Variation ID: 53124). For these reasons, this variant has been classified as Pathogenic.

GeneDx
Classification: Pathogenic. Last evaluated: 2025-07-02. Review status: criteria provided, single submitter. Criteria: GeneDx Variant Classification Process June 2021. Collection method: clinical testing. Allele origin: germline. Affected: yes.
Comment: Reported in one individual with drug induced Torsades de Pointes (PMID: 24223155); Nonsense variant predicted to result in protein truncation or nonsense mediated decay in a gene for which loss of function is a known mechanism of disease; Not observed at significant frequency in large population cohorts (gnomAD); This variant is associated with the following publications: (PMID: 19862833, 25525159, 19716085, 12702160, 19841298, 29876285, 31447099, 23631430, 23995044, 30930557, 24692356, 23124029, 24223155, 38291757)

Victorian Clinical Genetics Services, Murdoch Childrens Research Institute
Classification: Pathogenic for Long QT syndrome 1. Last evaluated: 2024-10-07. Review status: criteria provided, single submitter. Criteria: ACMG Guidelines, 2015. Collection method: clinical testing. Allele origin: germline. Affected: yes.
Comment: This variant is classified as Pathogenic. Evidence in support of pathogenic classification: Variant is predicted to cause nonsense-mediated decay (NMD) and loss of protein (premature termination codon is located at least 54 nucleotides upstream of the final exon-exon junction); Variant is present in gnomAD <0.01 (v4: 7 heterozygote(s), 0 homozygote(s)); This variant has strong previous evidence of pathogenicity in unrelated individuals. This variant has been classified as pathogenic by multiple clinical laboratories in ClinVar; Other NMD-predicted variant(s) comparable to the one identified in this case have very strong previous evidence for pathogenicity (DECIPHER). Additional information: This variant is heterozygous; This gene is associated with both recessive and dominant disease. JLNS is characterised by congenital, bilateral deafness and variable degrees of QT prolongation, and is the only condition caused by biallelic variants (PMID: 28438721); Dominant negative, loss of function and gain of function are known mechanisms of disease in this gene. Gain of function variants result exclusively in short QT syndrome 2 (MIM#609621), while dominant negative and loss of function variants can cause long QT syndrome 1 (LQTS, MIM#192500), familial atrial fibrillation 3 (MIM#607554) as well as Jervell and Lange-Nielsen syndrome (JLNS, MIM#220400) (OMIM, PMIDs: 19632626, 28438721); The condition associated with this gene has incomplete penetrance (OMIM, PMID: 20301308); Inheritance information for this variant is not currently available in this individual.

All of Us Research Program, National Institutes of Health
Classification: Pathogenic for Long QT syndrome. Last evaluated: 2024-09-25. Review status: criteria provided, single submitter. Criteria: ACMG Guidelines, 2015. Collection method: clinical testing. Allele origin: germline. Inheritance: Autosomal dominant inheritance. Observed: 3 variant alleles, 3 heterozygotes.
Comment: This variant changes 1 nucleotide in exon 6 of the KCNQ1 gene, creating a premature translation stop signal. This variant is expected to result in an absent or non-functional protein product. To our knowledge, functional studies have not been reported for this variant. This variant has been reported in one individual with sudden death and three individuals with long QT syndrome in one family (PMID: 12702160). This variant has been identified in 5/280572 chromosomes in the general population by the Genome Aggregation Database (gnomAD). Loss of KCNQ1 function is a known mechanism of disease. Based on the available evidence, this variant is classified as Pathogenic.

This study involves interpretation of variants in research participants for the purpose of population health screening. Participant phenotype was not available at the time of variant classification. Additional details can be found in publication PMID: 35346344, PMCID: PMC8962531

Color Diagnostics, LLC DBA Color Health
Classification: Pathogenic for Cardiac arrhythmia. Last evaluated: 2023-12-19. Review status: criteria provided, single submitter. Criteria: ACMG Guidelines, 2015. Collection method: clinical testing. Allele origin: germline.
Comment: This variant changes 1 nucleotide in exon 6 of the KCNQ1 gene, creating a premature translation stop signal. This variant is expected to result in an absent or non-functional protein product. This variant has been shown to segregate with long QT syndrome in three related individuals in a family (PMID: 12702160). This variant has been identified in 5/280572 chromosomes in the general population by the Genome Aggregation Database (gnomAD). Loss of KCNQ1 function is a known mechanism of disease. Based on the available evidence, this variant is classified as Pathogenic.

Fulgent Genetics
Classification: Pathogenic for Beckwith-Wiedemann syndrome; Long QT syndrome 1; Jervell and Lange-Nielsen syndrome 1; Atrial fibrillation, familial, 3; Short QT syndrome type 2. Last evaluated: 2022-04-29. Review status: criteria provided, single submitter. Criteria: ACMG Guidelines, 2015. Collection method: clinical testing. Allele origin: unknown.

AiLife Diagnostics
Classification: Pathogenic. Last evaluated: 2022-01-12. Review status: criteria provided, single submitter. Criteria: ACMG Guidelines, 2015. Collection method: clinical testing. Allele origin: germline. Affected: yes. Observed: 1 variant allele.

Ambry Genetics
Classification: Pathogenic for Cardiovascular phenotype. Last evaluated: 2021-12-03. Review status: criteria provided, single submitter. Criteria: Ambry Variant Classification Scheme 2023. Collection method: clinical testing. Allele origin: germline.
Comment: The p.W305* pathogenic mutation (also known as c.914G>A), located in coding exon 6 of the KCNQ1 gene, results from a G to A substitution at nucleotide position 914. This changes the amino acid from a tryptophan to a stop codon within coding exon 6. This alteration has been reported in multiple individuals with long QT syndrome (Chen S. et al. Clin. Genet. 2003;63(4):273-82; Kapplinger JD et al. Heart Rhythm. 2009;6(9):1297-303; Schwartz PJ et al. Circulation 2009;120(18):1761-7; Lieve KV et al. Genet Test Mol Biomarkers, 2013 Jul;17:553-61). In addition to the clinical data presented in the literature, this alteration is expected to result in loss of function by premature protein truncation or nonsense-mediated mRNA decay. As such, this alteration is interpreted as a disease-causing mutation.

NM_000218.3(KCNQ1):c.914G>A (p.Trp305Ter)

Gene: KCNQ1 (potassium voltage-gated channel subfamily Q member 1; plus strand). Cytogenetic location: 11p15.5.
Variant type: single nucleotide variant.
Coding change: c.914G>A on transcript NM_000218.3 (MANE Select); coding-DNA position 914, G replaced by A.
Protein change: p.Trp305Ter; replaces tryptophan 305 with a stop codon.
Molecular consequence: nonsense.
Genome position (GRCh38, 1-based): chr11:2,572,979, G>A. VCF-style: chr11-2572979-G-A. GRCh37 (hg19) VCF-style: chr11-2594209-G-A.
Other names: p.Trp305X; c.914G>A, p.Trp305Ter (NM_001406836.1); c.644G>A, p.Trp215Ter (NM_001406837.1); c.533G>A, p.Trp178Ter (NM_181798.2); short protein forms W305*, W178*, W215*.
Identifiers: ClinVar variation 53124 (VCV000053124.37), dbSNP rs120074186, ClinGen allele CA008615.
Genomic context (GRCh38, chr11:2,572,979, plus strand): 5'-AGGACGCGGTGAACGAGTCAGGCCGCGTGGAGTTCGGCAGCTACGCAGATGCGCTGTGGT[G>A]GGGGGTGGTAAGTCGGAAACTTCCAGGCATGGGGACAGGGGCAGCTCAGGCTGAGGAGTG-3'